The following is an entry in ClinVar:

NM_001845.6(COL4A1):c.2624C>G (p.Pro875Arg)

Gene: COL4A1 (collagen type IV alpha 1 chain; minus strand). Cytogenetic location: 13q34.
Variant type: single nucleotide variant.
Coding change: c.2624C>G on transcript NM_001845.6 (MANE Select); coding-DNA position 2624, C replaced by G.
Protein change: p.Pro875Arg; replaces proline 875 with arginine.
Molecular consequence: missense variant.
Genome position (GRCh38, 1-based): chr13:110,178,066, G>C on the plus strand (C>G on the coding strand, the complement: COL4A1 is on the minus strand). VCF-style: chr13-110178066-G-C. GRCh37 (hg19) VCF-style: chr13-110830413-G-C.
Other names: short protein forms P875R.
Identifiers: ClinVar variation 311052 (VCV000311052.67), dbSNP rs201964644, ClinGen allele CA7047543.

ClinVar aggregate classification (germline): Conflicting classifications of pathogenicity. Review status: criteria provided, conflicting classifications (1 of 4 stars). 8 submissions from 7 submitters: Uncertain significance (1); Benign (2); Likely benign (3). 2 of the submissions do not count toward it. Last evaluated 2026-09-30.

Conditions:
Autosomal dominant familial hematuria-retinal arteriolar tortuosity-contractures syndrome. Also called: Hereditary Angiopathy with Nephropathy, Aneurysms, and Muscle Cramps (HANAC) Syndrome; Angiopathy, hereditary, with nephropathy, aneurysms, and muscle cramps. Identifiers: Orphanet 73229, MedGen C2673195, MONDO:0012726, OMIM 611773.
Brain small vessel disease 1 with or without ocular anomalies (BSVD1). Also called: BRAIN SMALL VESSEL DISEASE WITH HEMORRHAGE; PORENCEPHALY, TYPE 1, AUTOSOMAL DOMINANT; GOULD SYNDROME 1; Brain small vessel disease with or without ocular anomalies. Identifiers: Orphanet 2940, Orphanet 36383, Orphanet 99810, MedGen C4755307, MONDO:0008289, OMIM 175780.

Allele frequency attached by ClinVar (database versions not stated): 1000 Genomes Project 30x 0.00016; 1000 Genomes Project 0.00020; ExAC 0.00025; TOPMed 0.00048; gnomAD 0.00055; ESP Exome Variant Server 0.00015.

Submissions (8):

GeneDx
Classification: Uncertain significance. Last evaluated: 2026-09-30. Review status: criteria provided, single submitter. Criteria: GeneDx Variant Classification Process June 2021. Collection method: clinical testing. Allele origin: germline.
Comment: Reported in one family with chronic intestinal pseudo-obstruction; however, additional clinical information was not provided (PMID: 31389005); Occurs in the triple helical domain at the Y position in the canonical Gly-X-Y repeat; although this variant may have an effect on normal protein folding and function, missense substitution at the Y position is not a common mechanism of disease; In silico analysis supports that this missense variant has a deleterious effect on protein structure/function; This variant is associated with the following publications: (PMID: 35132093, 31389005)

CeGaT Center for Human Genetics Tuebingen
Classification: Likely benign. Last evaluated: 2026-04-01. Review status: criteria provided, single submitter. Criteria: CeGaT Center For Human Genetics Tuebingen Variant Classification Criteria Version 2. Collection method: clinical testing. Allele origin: germline. Affected: yes. Observed: 11 variant alleles.
Comment: COL4A1: BS1

Labcorp Genetics (formerly Invitae), Labcorp
Classification: Likely benign. Last evaluated: 2025-12-31. Review status: criteria provided, single submitter. Criteria: Invitae Variant Classification Sherloc (09022015). Collection method: clinical testing. Allele origin: germline.

Blueprint Genetics
Classification: Likely benign. Last evaluated: 2024-11-20. Review status: criteria provided, single submitter. Criteria: ACMG Guidelines, 2015. Collection method: clinical testing. Allele origin: germline.

Illumina Laboratory Services, Illumina
Classification: Benign for Brain small vessel disease 1 with or without ocular anomalies. Last evaluated: 2018-01-12. Review status: criteria provided, single submitter. Criteria: ICSL Variant Classification Criteria 13 December 2019. Collection method: clinical testing. Allele origin: germline.
Comment: This variant was observed in the ICSL laboratory as part of a predisposition screen in an ostensibly healthy population. It had not been previously curated by ICSL or reported in the Human Gene Mutation Database (HGMD: prior to June 1st, 2018), and was therefore a candidate for classification through an automated scoring system. Utilizing variant allele frequency, disease prevalence and penetrance estimates, and inheritance mode, an automated score was calculated to assess if this variant is too frequent to cause the disease. Based on the score and internal cut-off values, a variant classified as benign is not then subjected to further curation. The score for this variant resulted in a classification of benign for this disease.

Illumina Laboratory Services, Illumina
Classification: Benign for Autosomal dominant familial hematuria-retinal arteriolar tortuosity-contractures syndrome. Last evaluated: 2018-01-12. Review status: criteria provided, single submitter. Criteria: ICSL Variant Classification Criteria 13 December 2019. Collection method: clinical testing. Allele origin: germline.
Comment: the same text as in the submission from Illumina Laboratory Services, Illumina above.

Clinical Genetics DNA and cytogenetics Diagnostics Lab, Erasmus MC, Erasmus Medical Center
Classification: Likely benign. Review status: no assertion criteria provided. Collection method: clinical testing. Allele origin: germline. Affected: yes. Study: VKGL Data-share Consensus. Not counted in ClinVar's aggregate classification.

Diagnostic Laboratory, Department of Genetics, University Medical Center Groningen
Classification: Likely benign. Review status: no assertion criteria provided. Collection method: clinical testing. Allele origin: germline. Affected: yes. Study: VKGL Data-share Consensus. Not counted in ClinVar's aggregate classification.